The following is an entry in ClinVar:

ClinVar aggregate classification (germline): Uncertain significance. Review status: criteria provided, multiple submitters, no conflicts (2 of 4 stars). 6 submissions from 6 submitters: Uncertain significance (6). Last evaluated 2025-10-29.

Conditions:
Breast-ovarian cancer, familial, susceptibility to, 1 (BROVCA1). Also called: BRCA1 Hereditary Breast and Ovarian Cancer; OVARIAN CANCER, SUSCEPTIBILITY TO. Identifiers: Orphanet 145, MedGen C2676676, MONDO:0011450, OMIM 604370. Disease mechanism: loss of function.
Fanconi anemia complementation group O. Also called: RAD51C-Related Fanconi Anemia. Identifiers: Orphanet 84, MedGen C3150653, MONDO:0013248, OMIM 613390.
Breast-ovarian cancer, familial, susceptibility to, 3. Also called: RAD51C-Related Breast/Ovarian Cancer. Identifiers: Orphanet 145, MedGen C3150659, MONDO:0013253, OMIM 613399.
Hereditary cancer-predisposing syndrome. Also called: Tumor predisposition; Hereditary Cancer Syndrome; Neoplastic Syndromes, Hereditary; Hereditary neoplastic syndrome. Identifiers: Orphanet 140162, MedGen C0027672, MeSH D009386, MONDO:0015356.

Allele frequency attached by ClinVar (database versions not stated): gnomAD 0.00001; ExAC 0.00003.
gnomAD v4.1: 5 of 1,613,276 alleles (0.00031%); highest among the groups gnomAD compares: Non-Finnish European, 0.00042%; no homozygotes.

Submissions (6):

Labcorp Genetics (formerly Invitae), Labcorp
Classification: Uncertain significance for Fanconi anemia complementation group O. Last evaluated: 2025-10-29. Review status: criteria provided, single submitter. Criteria: Invitae Variant Classification Sherloc (09022015). Collection method: clinical testing. Allele origin: germline.
Comment: This sequence change replaces aspartic acid, which is acidic and polar, with valine, which is neutral and non-polar, at codon 348 of the RAD51C protein (p.Asp348Val). This variant is present in population databases (rs111614311, gnomAD 0.002%). This variant has not been reported in the literature in individuals affected with RAD51C-related conditions. ClinVar contains an entry for this variant (Variation ID: 232848). Invitae Evidence Modeling of protein sequence and biophysical properties (such as structural, functional, and spatial information, amino acid conservation, physicochemical variation, residue mobility, and thermodynamic stability) indicates that this missense variant is expected to disrupt RAD51C protein function with a positive predictive value of 95%. Experimental studies have shown that this missense change affects RAD51C function (PMID: 37253112). In summary, the available evidence is currently insufficient to determine the role of this variant in disease. Therefore, it has been classified as a Variant of Uncertain Significance.

Institute of Immunology and Genetics Kaiserslautern
Classification: Uncertain significance for Breast-ovarian cancer, familial, susceptibility to, 1. Last evaluated: 2025-08-01. Review status: criteria provided, single submitter. Criteria: ACMG Guidelines, 2015. Collection method: clinical testing. Allele origin: germline. Affected: yes.
Comment: ACMG Criteria: PS3_M, PM2_P; Variant was found in heterozygous state.

Ambry Genetics
Classification: Uncertain significance for Hereditary cancer-predisposing syndrome. Last evaluated: 2025-04-23. Review status: criteria provided, single submitter. Criteria: Ambry Variant Classification Scheme 2023. Collection method: clinical testing. Allele origin: germline.
Comment: The p.D348V variant (also known as c.1043A>T), located in coding exon 9 of the RAD51C gene, results from an A to T substitution at nucleotide position 1043. The aspartic acid at codon 348 is replaced by valine, an amino acid with highly dissimilar properties. In multiple assays testing RAD51C function, this alteration showed an abnormal read-out (Hu C et al. Cancer Res, 2023 Aug;83:2557-2571). This amino acid position is highly conserved in available vertebrate species. In addition, the in silico prediction for this alteration is inconclusive. Based on the available evidence, the clinical significance of this alteration remains unclear.

Baylor Genetics
Classification: Uncertain significance for Breast-ovarian cancer, familial, susceptibility to, 3. Last evaluated: 2024-02-07. Review status: criteria provided, single submitter. Criteria: ACMG Guidelines, 2015. Collection method: clinical testing. Allele origin: unknown.

Color Diagnostics, LLC DBA Color Health
Classification: Uncertain significance for Hereditary cancer-predisposing syndrome. Last evaluated: 2023-03-15. Review status: criteria provided, single submitter. Criteria: ACMG Guidelines, 2015. Collection method: clinical testing. Allele origin: germline.
Comment: This missense variant replaces aspartic acid with valine at codon 348 of the RAD51C protein. Computational prediction is inconclusive regarding the impact of this variant on protein structure and function (internally defined REVEL score threshold 0.5 < inconclusive < 0.7, PMID: 27666373). To our knowledge, functional studies have not been reported for this variant. This variant has not been reported in individuals affected with RAD51C-related disorders in the literature. This variant has been identified in 3/250000 chromosomes in the general population by the Genome Aggregation Database (gnomAD). The available evidence is insufficient to determine the role of this variant in disease conclusively. Therefore, this variant is classified as a Variant of Uncertain Significance.

GeneDx
Classification: Uncertain significance. Last evaluated: 2016-05-23. Review status: criteria provided, single submitter. Criteria: GeneDx Variant Classification (06012015). Collection method: clinical testing. Allele origin: germline. Affected: yes.
Comment: This variant is denoted RAD51C c.1043A>T at the cDNA level, p.Asp348Val (D348V) at the protein level, and results in the change of an Aspartic Acid to a Valine (GAT>GTT). This variant has not, to our knowledge, been published in the literature as pathogenic or benign. RAD51C Asp348Val was not observed in approximately 6,500 individuals of European and African American ancestry in the NHLBI Exome Sequencing Project, suggesting it is not a common benign variant in these populations. Since Aspartic Acid and Valine differ in polarity, charge, size or other properties, this is considered a non-conservative amino acid substitution. RAD51C Asp348Val occurs at a position that is conserved in mammals and is located within the ATPase domain (Kim 2011). In silico analyses predict that this variant is probably damaging to protein structure and function. Based on currently available evidence, it is unclear whether RAD51C Asp348Val is a pathogenic or benign variant. We consider it to be a variant of uncertain significance.

Literature cited by the submitters: PubMed 37253112 (cited by Labcorp Genetics (formerly Invitae), Labcorp and Ambry Genetics).

NM_058216.3(RAD51C):c.1043A>T (p.Asp348Val)

Gene: RAD51C (RAD51 paralog C; plus strand). Cytogenetic location: 17q22.
Variant type: single nucleotide variant.
Coding change: c.1043A>T on transcript NM_058216.3 (MANE Select); coding-DNA position 1043, A replaced by T.
Protein change: p.Asp348Val; replaces aspartic acid 348 with valine.
Molecular consequence: missense variant. On other transcripts: non-coding transcript variant (1).
Genome position (GRCh38, 1-based): chr17:58,734,134, A>T. VCF-style: chr17-58734134-A-T. GRCh37 (hg19) VCF-style: chr17-56811495-A-T.
Other names: short protein forms D348V.
Identifiers: ClinVar variation 232848 (VCV000232848.23), dbSNP rs111614311, ClinGen allele CA8677407.